The following is an entry in ClinVar:

ClinVar aggregate classification (germline): Conflicting classifications of pathogenicity. Review status: criteria provided, conflicting classifications (1 of 4 stars). 6 submissions from 3 submitters: Uncertain significance (5); Likely benign (1). Last evaluated 2026-01-09.

Conditions:
Permanent neonatal diabetes mellitus (PNDM). Identifiers: Orphanet 99885, MedGen C1833104, MONDO:0100164, MONDO:0011643. Disease mechanism: gain of function.
Transitory neonatal diabetes mellitus. Also called: Transient neonatal diabetes mellitus. Identifiers: MedGen C0342273, MONDO:0020525, HP:0008255.
Maturity-onset diabetes of the young (MODY). Also called: Maturity onset diabetes mellitus in young. Identifiers: Orphanet 552, MedGen C0342276, MONDO:0018911, HP:0004904.
Diabetes mellitus, transient neonatal, 2 (TNDM2). Identifiers: Orphanet 99886, MedGen C1835887, MONDO:0012480, OMIM 610374. Disease mechanism: loss of function.
Hyperinsulinemic hypoglycemia, familial, 1 (HHF1). Also called: Persistent hyperinsulinemic hypoglycemia of infancy; Persistent Hyperinsulinemia Hypoglycemia of Infancy; HYPERINSULINISM, FAMILIAL, WITH PANCREATIC NESIDIOBLASTOSIS; HYPOGLYCEMIA, HYPERINSULINEMIC, OF INFANCY; NESIDIOBLASTOSIS OF PANCREAS. Identifiers: Orphanet 276575, Orphanet 276598, MedGen C2931832, MONDO:0009734, OMIM 256450.

Allele frequency attached by ClinVar (database versions not stated): gnomAD 0.00001; TOPMed 0.00001; ExAC 0.00002; gnomAD exomes 0.00002.
gnomAD v4.1: 3 of 1,602,068 alleles (0.00019%); highest among the groups gnomAD compares: Admixed American, 0.0052%; no homozygotes.

Submissions (6):

Labcorp Genetics (formerly Invitae), Labcorp
Classification: Likely benign. Last evaluated: 2026-01-09. Review status: criteria provided, single submitter. Criteria: Invitae Variant Classification Sherloc (09022015). Collection method: clinical testing. Allele origin: germline.

Illumina Laboratory Services, Illumina
Classification: Uncertain significance for Hyperinsulinemic hypoglycemia, familial, 1. Last evaluated: 2018-01-12. Review status: criteria provided, single submitter. Criteria: ICSL Variant Classification Criteria 13 December 2019. Collection method: clinical testing. Allele origin: germline.

Illumina Laboratory Services, Illumina
Classification: Uncertain significance for Permanent neonatal diabetes mellitus 1. Last evaluated: 2018-01-12. Review status: criteria provided, single submitter. Criteria: ICSL Variant Classification Criteria 13 December 2019. Collection method: clinical testing. Allele origin: germline.

Illumina Laboratory Services, Illumina
Classification: Uncertain significance for Diabetes mellitus, transient neonatal, 2. Last evaluated: 2018-01-12. Review status: criteria provided, single submitter. Criteria: ICSL Variant Classification Criteria 13 December 2019. Collection method: clinical testing. Allele origin: germline.

Clinical Genomics, Uppaluri K&H Personalized Medicine Clinic
Classification: Uncertain significance for Maturity-onset diabetes of the young. Review status: criteria provided, single submitter. Criteria: K & H Uppaluri Personalized Medicine Clinic Variant Classification & Assertion Criteria_Updated V.1. Collection method: research. Allele origin: unknown. Inheritance: Somatic mutation.
Comment: Mutations in ABCC8 gene are associated with both neonatal diabetes mellitus as well as MODY. Patients with this mutation may have a better response to sulfonylureas. However, no sufficient evidence is found to ascertain the role of this particular variant (rs755745806) in MODY yet.

Clinical Genomics, Uppaluri K&H Personalized Medicine Clinic
Classification: Uncertain significance for Transitory neonatal diabetes mellitus. Review status: criteria provided, single submitter. Criteria: K & H Uppaluri Personalized Medicine Clinic Variant Classification & Assertion Criteria_Updated V.1. Collection method: research. Allele origin: unknown. Inheritance: Somatic mutation.
Comment: Mutations in ABCC8 gene are associated with both neonatal diabetes mellitus as well as MODY. Patients with this mutation may have a better response to sulfonylureas. However, no sufficient evidence is found to ascertain the role of this particular variant (rs755745806) in neonatal diabetes yet.

Literature cited by the submitters: PubMed 16885549 (cited by Clinical Genomics, Uppaluri K&H Personalized Medicine Clinic); PubMed 21989597 (cited by Clinical Genomics, Uppaluri K&H Personalized Medicine Clinic); PubMed 27538677 (cited by Clinical Genomics, Uppaluri K&H Personalized Medicine Clinic); PubMed 18981553 (cited by Clinical Genomics, Uppaluri K&H Personalized Medicine Clinic); PubMed 32027066 (cited by Clinical Genomics, Uppaluri K&H Personalized Medicine Clinic); PubMed 16613899 (cited by Clinical Genomics, Uppaluri K&H Personalized Medicine Clinic); PubMed 18025408 (cited by Clinical Genomics, Uppaluri K&H Personalized Medicine Clinic); PubMed 32792356 (cited by Clinical Genomics, Uppaluri K&H Personalized Medicine Clinic).

NM_000352.6(ABCC8):c.507C>T (p.Phe169=)

Gene: ABCC8 (ATP binding cassette subfamily C member 8; minus strand). Cytogenetic location: 11p15.1.
Variant type: single nucleotide variant.
Coding change: c.507C>T on transcript NM_000352.6 (MANE Select); coding-DNA position 507, C replaced by T.
Protein change: p.Phe169=; no amino-acid change (phenylalanine 169 retained).
Molecular consequence: synonymous variant. On other transcripts: non-coding transcript variant (1).
Genome position (GRCh38, 1-based): chr11:17,463,510, G>A on the plus strand (C>T on the coding strand, the complement: ABCC8 is on the minus strand). VCF-style: chr11-17463510-G-A. GRCh37 (hg19) VCF-style: chr11-17485057-G-A.
Other names: c.507C>T, p.Phe169= (NM_001287174.3, NM_001351295.2, NM_001351296.2 and 1 more transcripts).
Identifiers: ClinVar variation 878978 (VCV000878978.14), dbSNP rs755745806, ClinGen allele CA5903854.